The following is an entry in ClinVar:

ClinVar aggregate classification (germline): Uncertain significance (1 of 4 stars; one submission).

Conditions:
Emery-Dreifuss muscular dystrophy 5, autosomal dominant (EDMD5). Also called: EMERY-DREIFUSS MUSCULAR DYSTROPHY 5. Identifiers: Orphanet 261, MedGen C2751805, MONDO:0013072, OMIM 612999.

Allele frequency attached by ClinVar (database versions not stated): ExAC 0.00001.
gnomAD v4.1: 11 of 1,606,654 alleles (0.00068%); highest among the groups gnomAD compares: African/African-American, 0.0067%; no homozygotes.

Submission:

Labcorp Genetics (formerly Invitae), Labcorp
Classification: Uncertain significance for Emery-Dreifuss muscular dystrophy 5, autosomal dominant. Last evaluated: 2024-09-05. Review status: criteria provided, single submitter. Criteria: Invitae Variant Classification Sherloc (09022015). Collection method: clinical testing. Allele origin: germline.
Comment: This sequence change replaces arginine, which is basic and polar, with glutamine, which is neutral and polar, at codon 534 of the SYNE2 protein (p.Arg534Gln). This variant is present in population databases (rs752176254, gnomAD 0.003%). This variant has not been reported in the literature in individuals affected with SYNE2-related conditions. ClinVar contains an entry for this variant (Variation ID: 2174861). An algorithm developed to predict the effect of missense changes on protein structure and function outputs the following: PolyPhen-2: "Benign". The glutamine amino acid residue is found in multiple mammalian species, which suggests that this missense change does not adversely affect protein function. In summary, the available evidence is currently insufficient to determine the role of this variant in disease. Therefore, it has been classified as a Variant of Uncertain Significance.

NM_182914.3(SYNE2):c.1601G>A (p.Arg534Gln)

Gene: SYNE2 (spectrin repeat containing nuclear envelope protein 2; plus strand). Cytogenetic location: 14q23.2.
Variant type: single nucleotide variant.
Coding change: c.1601G>A on transcript NM_182914.3 (MANE Select); coding-DNA position 1601, G replaced by A.
Protein change: p.Arg534Gln; replaces arginine 534 with glutamine.
Molecular consequence: missense variant.
Genome position (GRCh38, 1-based): chr14:63,980,685, G>A. VCF-style: chr14-63980685-G-A. GRCh37 (hg19) VCF-style: chr14-64447403-G-A.
Other names: c.1601G>A, p.Arg534Gln (NM_015180.6); short protein forms R534Q.
Identifiers: ClinVar variation 2174861 (VCV002174861.4), dbSNP rs752176254, ClinGen allele CA7219475.
Genomic context (GRCh38, chr14:63,980,685, plus strand): 5'-TGTCAATATGTTTTTTGTTTTCTTCCCAGAAATTTATTGAAGAAAAAGAATTCCTAGCTC[G>A]ACTTGATACTTCTTTTCAAAAATGTGGAGAAATTTATAAGAATTTGGGTAAAGTGGTTCA-3'
Protein context (NP_878918.2, residues 524-544): KFIEEKEFLA[Arg534Gln]LDTSFQKCGE